The following is an entry in ClinVar:

NM_001127208.3(TET2):c.5077T>A (p.Tyr1693Asn)

Genes: TET2 (tet methylcytosine dioxygenase 2; plus strand), TET2-AS1 (TET2 antisense RNA 1; minus strand). Cytogenetic location: 4q24.
Variant type: single nucleotide variant.
Coding change: c.5077T>A on transcript NM_001127208.3 (MANE Select); coding-DNA position 5077, T replaced by A.
Protein change: p.Tyr1693Asn; replaces tyrosine 1693 with asparagine.
Molecular consequence: missense variant.
Genome position (GRCh38, 1-based): chr4:105,275,587, T>A. VCF-style: chr4-105275587-T-A. GRCh37 (hg19) VCF-style: chr4-106196744-T-A.
Other names: short protein forms Y1693N.
Identifiers: ClinVar variation 2903592 (VCV002903592.3), dbSNP rs1402145885, ClinGen allele CA357814375.
Genomic context (GRCh38, chr4:105,275,587, plus strand): 5'-CCACCCATCCATACACTTTACCAGCCAAGGTTTGGAAATAGCCAGAGTTTTACATCTAAA[T>A]ACTTAGGTTATGGAAACCAAAATATGCAGGGAGATGGTTTCAGCAGTTGTACCATTAGAC-3'
Protein context (NP_001120680.1, residues 1683-1703): FGNSQSFTSK[Tyr1693Asn]LGYGNQNMQG

ClinVar aggregate classification (germline): Uncertain significance (1 of 4 stars; one submission).

Allele frequency attached by ClinVar (database versions not stated): gnomAD 0.00001; TOPMed 0.00001.
gnomAD v4.1: 3 of 1,551,620 alleles (0.00019%); highest among the groups gnomAD compares: Non-Finnish European, 0.00026%; no homozygotes.

Submission:

Labcorp Genetics (formerly Invitae), Labcorp
Classification: Uncertain significance. Last evaluated: 2023-08-25. Review status: criteria provided, single submitter. Criteria: Invitae Variant Classification Sherloc (09022015). Collection method: clinical testing. Allele origin: germline.
Comment: An algorithm developed to predict the effect of missense changes on protein structure and function (PolyPhen-2) suggests that this variant is likely to be disruptive. In summary, the available evidence is currently insufficient to determine the role of this variant in disease. Therefore, it has been classified as a Variant of Uncertain Significance. This variant has not been reported in the literature in individuals affected with TET2-related conditions. This sequence change replaces tyrosine, which is neutral and polar, with asparagine, which is neutral and polar, at codon 1693 of the TET2 protein (p.Tyr1693Asn). This variant is not present in population databases (gnomAD no frequency).